The following is an entry in ClinVar:

NM_001611.5(ACP5):c.149A>G (p.Asn50Ser)

Gene: ACP5 (acid phosphatase 5, tartrate resistant; minus strand). Cytogenetic location: 19p13.2.
Variant type: single nucleotide variant.
Coding change: c.149A>G on transcript NM_001611.5 (MANE Select); coding-DNA position 149, A replaced by G.
Protein change: p.Asn50Ser; replaces asparagine 50 with serine.
Molecular consequence: missense variant.
Genome position (GRCh38, 1-based): chr19:11,577,169, T>C on the plus strand (A>G on the coding strand, the complement: ACP5 is on the minus strand). VCF-style: chr19-11577169-T-C. GRCh37 (hg19) VCF-style: chr19-11687984-T-C.
Other names: c.149A>G, p.Asn50Ser (LRG_1218t1, NM_001111034.3, NM_001111035.3 and 2 more transcripts); c.149A>G (NM_001111035.1); short protein forms N50S.
Identifiers: ClinVar variation 648426 (VCV000648426.7), dbSNP rs189825826, ClinGen allele CA9215515.

ClinVar aggregate classification (germline): Uncertain significance. Review status: criteria provided, multiple submitters, no conflicts (2 of 4 stars). 2 submissions from 2 submitters: Uncertain significance (2). Last evaluated 2024-03-07.

Conditions:
Inborn genetic diseases. Identifiers: MedGen C0950123, MeSH D030342.
Spondyloenchondrodysplasia with immune dysregulation (SPENCDI). Also called: ROIFMAN IMMUNOSKELETAL SYNDROME; SPONDYLOENCHONDRODYSPLASIA WITH OR WITHOUT IMMUNE DYSREGULATION; COMBINED IMMUNODEFICIENCY WITH AUTOIMMUNITY AND SPONDYLOMETAPHYSEAL DYSPLASIA. Identifiers: Orphanet 1855, MedGen C1842763, MONDO:0011939, OMIM 607944.

Allele frequency attached by ClinVar (database versions not stated): ExAC 0.00003; gnomAD exomes 0.00003 and 0.00004; ESP Exome Variant Server 0.00008; gnomAD 0.00009; TOPMed 0.00012; 1000 Genomes Project 0.00040; 1000 Genomes Project 30x 0.00047.

Submissions (2):

Ambry Genetics
Classification: Uncertain significance for Inborn genetic diseases. Last evaluated: 2024-03-07. Review status: criteria provided, single submitter. Criteria: Ambry Variant Classification Scheme 2023. Collection method: clinical testing. Allele origin: germline.

Labcorp Genetics (formerly Invitae), Labcorp
Classification: Uncertain significance for Spondyloenchondrodysplasia with immune dysregulation. Last evaluated: 2022-08-22. Review status: criteria provided, single submitter. Criteria: Invitae Variant Classification Sherloc (09022015). Collection method: clinical testing. Allele origin: germline.
Comment: This sequence change replaces asparagine, which is neutral and polar, with serine, which is neutral and polar, at codon 50 of the ACP5 protein (p.Asn50Ser). This variant is present in population databases (rs189825826, gnomAD 0.01%). This variant has not been reported in the literature in individuals affected with ACP5-related conditions. ClinVar contains an entry for this variant (Variation ID: 648426). Algorithms developed to predict the effect of missense changes on protein structure and function output the following: SIFT: "Not Available"; PolyPhen-2: "Benign"; Align-GVGD: "Not Available". The serine amino acid residue is found in multiple mammalian species, which suggests that this missense change does not adversely affect protein function. In summary, the available evidence is currently insufficient to determine the role of this variant in disease. Therefore, it has been classified as a Variant of Uncertain Significance.